The following is an entry in ClinVar:

NM_005228.5(EGFR):c.2954A>G (p.Glu985Gly)

Gene: EGFR (epidermal growth factor receptor; plus strand). Cytogenetic location: 7p11.2.
Variant type: single nucleotide variant.
Coding change: c.2954A>G on transcript NM_005228.5 (MANE Select); coding-DNA position 2954, A replaced by G.
Protein change: p.Glu985Gly; replaces glutamic acid 985 with glycine.
Molecular consequence: missense variant.
Genome position (GRCh38, 1-based): chr7:55,201,195, A>G. VCF-style: chr7-55201195-A-G. GRCh37 (hg19) VCF-style: chr7-55268888-A-G.
Other names: c.2819A>G, p.Glu940Gly (NM_001346897.2, NM_001346899.2); c.2954A>G, p.Glu985Gly (NM_001346898.2); c.2795A>G, p.Glu932Gly (NM_001346900.2); c.2153A>G, p.Glu718Gly (NM_001346941.2); short protein forms E932G, E940G, E718G, E985G.
Identifiers: ClinVar variation 1405876 (VCV001405876.8), dbSNP rs2128971471, ClinGen allele CA367582348.

ClinVar aggregate classification (germline): Uncertain significance (1 of 4 stars; one submission).

Conditions:
EGFR-related lung cancer (EGFR). Identifiers: MedGen CN130014.

Submission:

Labcorp Genetics (formerly Invitae), Labcorp
Classification: Uncertain significance for EGFR-related lung cancer. Last evaluated: 2021-01-29. Review status: criteria provided, single submitter. Criteria: Invitae Variant Classification Sherloc (09022015). Collection method: clinical testing. Allele origin: germline.
Comment: In summary, the available evidence is currently insufficient to determine the role of this variant in disease. Therefore, it has been classified as a Variant of Uncertain Significance. Algorithms developed to predict the effect of missense changes on protein structure and function are either unavailable or do not agree on the potential impact of this missense change (SIFT: "Tolerated"; PolyPhen-2: "Possibly Damaging"; Align-GVGD: "Class C0"). This variant has not been reported in the literature in individuals with EGFR-related conditions. This variant is not present in population databases (ExAC no frequency). This sequence change replaces glutamic acid with glycine at codon 985 of the EGFR protein (p.Glu985Gly). The glutamic acid residue is moderately conserved and there is a moderate physicochemical difference between glutamic acid and glycine.